The following is an entry in ClinVar:

NM_005060.4(RORC):c.580G>A (p.Gly194Arg)

Gene: RORC (RAR related orphan receptor C; minus strand). Cytogenetic location: 1q21.3.
Variant type: single nucleotide variant.
Coding change: c.580G>A on transcript NM_005060.4 (MANE Select); coding-DNA position 580, G replaced by A.
Protein change: p.Gly194Arg; replaces glycine 194 with arginine.
Molecular consequence: missense variant.
Genome position (GRCh38, 1-based): chr1:151,815,144, C>T on the plus strand (G>A on the coding strand, the complement: RORC is on the minus strand). VCF-style: chr1-151815144-C-T. GRCh37 (hg19) VCF-style: chr1-151787620-C-T.
Other names: c.517G>A, p.Gly173Arg (NM_001001523.2); short protein forms G173R, G194R.
Identifiers: ClinVar variation 933255 (VCV000933255.8), dbSNP rs1651707381, ClinGen allele CA342016566.
Genomic context (GRCh38, chr1:151,815,144, plus strand): 5'-TGCCCTCAGCCTTGCCCCGCTCAGGGCTGTATTCAAGGTGGCATGAGGCCCCATTGAGCC[C>T]TGCCTTGGCCAAGTTGTTGGAATATGAGGGCCCAGAGCCTGAGGCTTTCAGGAGGCCAGG-3'
Protein context (NP_005051.2, residues 184-204): PSYSNNLAKA[Gly194Arg]LNGASCHLEY

ClinVar aggregate classification (germline): Uncertain significance (1 of 4 stars; one submission).

Conditions:
Autosomal recessive mendelian susceptibility to mycobacterial diseases due to complete RORgamma receptor deficiency. Also called: Immunodeficiency 42. Identifiers: Orphanet 477857, MedGen C5567647, MONDO:0014710, OMIM 616622.

Allele frequency attached by ClinVar (database versions not stated): TOPMed below 0.00001.

Submission:

Labcorp Genetics (formerly Invitae), Labcorp
Classification: Uncertain significance for Autosomal recessive mendelian susceptibility to mycobacterial diseases due to complete RORgamma receptor deficiency. Last evaluated: 2021-06-13. Review status: criteria provided, single submitter. Criteria: Invitae Variant Classification Sherloc (09022015). Collection method: clinical testing. Allele origin: germline.
Comment: In summary, the available evidence is currently insufficient to determine the role of this variant in disease. Therefore, it has been classified as a Variant of Uncertain Significance. Algorithms developed to predict the effect of missense changes on protein structure and function (SIFT, PolyPhen-2, Align-GVGD) all suggest that this variant is likely to be tolerated, but these predictions have not been confirmed by published functional studies and their clinical significance is uncertain. This variant has not been reported in the literature in individuals with RORC-related conditions. This variant is not present in population databases (ExAC no frequency). This sequence change replaces glycine with arginine at codon 194 of the RORC protein (p.Gly194Arg). The glycine residue is weakly conserved and there is a moderate physicochemical difference between glycine and arginine.